The following is an entry in ClinVar:

ClinVar aggregate classification (germline): Uncertain significance. Review status: criteria provided, multiple submitters, no conflicts (2 of 4 stars). 2 submissions from 2 submitters: Uncertain significance (2). Last evaluated 2025-11-20.

Conditions:
Inborn genetic diseases. Identifiers: MedGen C0950123, MeSH D030342.

Allele frequency attached by ClinVar (database versions not stated): gnomAD exomes below 0.00001; gnomAD 0.00002; TOPMed 0.00002.
gnomAD v4.1: 7 of 1,471,166 alleles (0.00048%); highest among the groups gnomAD compares: African/African-American, 0.01%; no homozygotes.

Submissions (2):

Ambry Genetics
Classification: Uncertain significance for Inborn genetic diseases. Last evaluated: 2025-11-20. Review status: criteria provided, single submitter. Criteria: Ambry Variant Classification Scheme 2023. Collection method: clinical testing. Allele origin: germline.

Labcorp Genetics (formerly Invitae), Labcorp
Classification: Uncertain significance. Last evaluated: 2025-03-03. Review status: criteria provided, single submitter. Criteria: Invitae Variant Classification Sherloc (09022015). Collection method: clinical testing. Allele origin: germline.
Comment: This sequence change replaces leucine, which is neutral and non-polar, with valine, which is neutral and non-polar, at codon 36 of the ABHD12 protein (p.Leu36Val). This variant is not present in population databases (gnomAD no frequency). This variant has not been reported in the literature in individuals affected with ABHD12-related conditions. ClinVar contains an entry for this variant (Variation ID: 1462747). An algorithm developed to predict the effect of missense changes on protein structure and function (PolyPhen-2) suggests that this variant is likely to be tolerated. In summary, the available evidence is currently insufficient to determine the role of this variant in disease. Therefore, it has been classified as a Variant of Uncertain Significance.

NM_001042472.3(ABHD12):c.106C>G (p.Leu36Val)

Genes: ABHD12 (abhydrolase domain containing 12, lysophospholipase; minus strand), LOC130065586 (ATAC-STARR-seq lymphoblastoid silent region 12752; plus strand). Cytogenetic location: 20p11.21.
Variant type: single nucleotide variant.
Coding change: c.106C>G on transcript NM_001042472.3 (MANE Select); coding-DNA position 106, C replaced by G.
Protein change: p.Leu36Val; replaces leucine 36 with valine.
Molecular consequence: missense variant.
Genome position (GRCh38, 1-based): chr20:25,390,598, G>C on the plus strand (C>G on the coding strand, the complement: ABHD12 is on the minus strand). VCF-style: chr20-25390598-G-C. GRCh37 (hg19) VCF-style: chr20-25371234-G-C.
Other names: c.106C>G (NM_001042472.2); c.106C>G, p.Leu36Val (NM_015600.5); short protein forms L36V.
Identifiers: ClinVar variation 1462747 (VCV001462747.9), dbSNP rs780387794, ClinGen allele CA9796321.